The following is an entry in ClinVar:

NM_000051.4(ATM):c.6372C>A (p.Tyr2124Ter)

Genes: ATM (ATM serine/threonine kinase; plus strand), C11orf65 (chromosome 11 open reading frame 65; minus strand). Cytogenetic location: 11q22.3.
Variant type: single nucleotide variant.
Coding change: c.6372C>A on transcript NM_000051.4 (MANE Select); coding-DNA position 6372, C replaced by A.
Protein change: p.Tyr2124Ter; replaces tyrosine 2124 with a stop codon.
Molecular consequence: nonsense. On other transcripts: intron variant (2).
Genome position (GRCh38, 1-based): chr11:108,319,978, C>A. VCF-style: chr11-108319978-C-A. GRCh37 (hg19) VCF-style: chr11-108190705-C-A.
Other names: c.6372C>A, p.Tyr2124Ter (NM_001351834.2); c.641-10907G>T (NM_001330368.2); c.*39-10907G>T (NM_001351110.2); short protein forms Y2124*.
Identifiers: ClinVar variation 1753127 (VCV001753127.2), dbSNP rs904589402, ClinGen allele CA382553248.

ClinVar aggregate classification (germline): Pathogenic (1 of 4 stars; one submission).

Conditions:
Hereditary cancer-predisposing syndrome. Also called: Hereditary neoplastic syndrome; Neoplastic Syndromes, Hereditary; Tumor predisposition; Hereditary Cancer Syndrome. Identifiers: Orphanet 140162, MedGen C0027672, MeSH D009386, MONDO:0015356.

Submission:

Ambry Genetics
Classification: Pathogenic for Hereditary cancer-predisposing syndrome. Last evaluated: 2022-05-09. Review status: criteria provided, single submitter. Criteria: Ambry Variant Classification Scheme 2023. Collection method: clinical testing. Allele origin: germline.
Comment: The p.Y2124* pathogenic mutation (also known as c.6372C>A), located in coding exon 43 of the ATM gene, results from a C to A substitution at nucleotide position 6372. This changes the amino acid from a tyrosine to a stop codon within coding exon 43. This alteration is expected to result in loss of function by premature protein truncation or nonsense-mediated mRNA decay. As such, this alteration is interpreted as a disease-causing mutation.